The following is an entry in ClinVar:

ClinVar aggregate classification (germline): Uncertain significance. Review status: criteria provided, multiple submitters, no conflicts (2 of 4 stars). 2 submissions from 2 submitters: Uncertain significance (2). Last evaluated 2022-12-20.

Conditions:
Malignant hyperthermia, susceptibility to, 5 (MHS5). Also called: CACNA1S-Related Malignant Hyperthermia Susceptibility. Identifiers: Orphanet 423, MedGen C1866077, MONDO:0011163, OMIM 601887.

gnomAD v4.1: 1 of 1,613,584 alleles (0.000062%); no homozygotes.

Submissions (2):

All of Us Research Program, National Institutes of Health
Classification: Uncertain significance for Malignant hyperthermia, susceptibility to, 5. Last evaluated: 2022-12-20. Review status: criteria provided, single submitter. Criteria: ACMG Guidelines, 2015. Collection method: clinical testing. Allele origin: germline. Inheritance: Autosomal dominant inheritance. Observed: 1 variant allele, 1 heterozygote.
Comment: This study involves interpretation of variants in research participants for the purpose of population health screening. Participant phenotype was not available at the time of variant classification. Additional details can be found in publication PMID: 35346344, PMCID: PMC8962531

Laboratory for Molecular Medicine, Mass General Brigham Personalized Medicine
Classification: Uncertain significance. Last evaluated: 2016-07-26. Review status: criteria provided, single submitter. Criteria: LMM Criteria. Collection method: clinical testing. Allele origin: germline.
Comment: Variant identified in a genome or exome case(s) and assessed due to predicted null impact of the variant or pathogenic assertions in the literature or databases. Disclaimer: This variant has not undergone full assessment. The following are preliminary notes: LOF not an established disease mechanism for this gene

NM_000069.3(CACNA1S):c.3609+1G>C

Gene: CACNA1S (calcium voltage-gated channel subunit alpha1 S; minus strand). Cytogenetic location: 1q32.1.
Variant type: single nucleotide variant.
Coding change: c.3609+1G>C on transcript NM_000069.3 (MANE Select); the canonical splice donor site of the intron after coding-DNA position 3609, G replaced by C.
Molecular consequence: splice donor variant.
Genome position (GRCh38, 1-based): chr1:201,058,407, C>G on the plus strand (G>C on the coding strand, the complement: CACNA1S is on the minus strand). VCF-style: chr1-201058407-C-G. GRCh37 (hg19) VCF-style: chr1-201027535-C-G.
Identifiers: ClinVar variation 402470 (VCV000402470.5), dbSNP rs754831666, ClinGen allele CA16609710.